The following is an entry in ClinVar:

ClinVar aggregate classification (germline): Uncertain significance (1 of 4 stars; one submission).

gnomAD v4.1: 1 of 1,596,600 alleles (0.000063%); no homozygotes.

Submission:

Labcorp Genetics (formerly Invitae), Labcorp
Classification: Uncertain significance. Last evaluated: 2025-02-27. Review status: criteria provided, single submitter. Criteria: Invitae Variant Classification Sherloc (09022015). Collection method: clinical testing. Allele origin: germline.
Comment: This sequence change replaces glutamic acid, which is acidic and polar, with lysine, which is basic and polar, at codon 663 of the AP3D1 protein (p.Glu663Lys). The frequency data for this variant in the population databases is considered unreliable, as metrics indicate poor data quality at this position in the gnomAD database. This variant has not been reported in the literature in individuals affected with AP3D1-related conditions. An algorithm developed to predict the effect of missense changes on protein structure and function (PolyPhen-2) suggests that this variant is likely to be tolerated. In summary, the available evidence is currently insufficient to determine the role of this variant in disease. Therefore, it has been classified as a Variant of Uncertain Significance.

NM_001261826.3(AP3D1):c.1987G>A (p.Glu663Lys)

Gene: AP3D1 (adaptor related protein complex 3 subunit delta 1; minus strand). Cytogenetic location: 19p13.3.
Variant type: single nucleotide variant.
Coding change: c.1987G>A on transcript NM_001261826.3 (MANE Select); coding-DNA position 1987, G replaced by A.
Protein change: p.Glu663Lys; replaces glutamic acid 663 with lysine.
Molecular consequence: missense variant.
Genome position (GRCh38, 1-based): chr19:2,116,619, C>T on the plus strand (G>A on the coding strand, the complement: AP3D1 is on the minus strand). VCF-style: chr19-2116619-C-T. GRCh37 (hg19) VCF-style: chr19-2116618-C-T.
Other names: c.1987G>A, p.Glu663Lys (NM_001374799.1, NM_003938.8); short protein forms E663K.
Identifiers: ClinVar variation 4806755 (VCV004806755.1).
Genomic context (GRCh38, chr19:2,116,619, plus strand): 5'-CAGGAGGGAGGAGACGAGGGCTCGCCAGGGGCAGCCAGCAGCTCACCCGAGCCAGCTCTT[C>T]CTCGTCCGCCTCCGACGGCCGGTGCTTGGGACGCCGCTGCTCCTCCTCGTGGAAGACGGC-3'
Protein context (NP_001248755.1, residues 653-673): PKHRPSEADE[Glu663Lys]ELARRREARK